The following is an entry in ClinVar:

NM_021922.3(FANCE):c.1114-3_1115delinsGGCA

Gene: FANCE (FA complementation group E; plus strand). Cytogenetic location: 6p21.31.
Variant type: Indel.
Coding change: c.1114-3_1115delinsGGCA on transcript NM_021922.3 (MANE Select); 3 bases into the intron before coding-DNA position 1114 through coding-DNA position 1115, TAGAT replaced by GGCA.
Molecular consequence: splice acceptor variant.
Genome position (GRCh38, 1-based): chr6:35,459,328-35,459,332, TAGAT replaced by GGCA. VCF-style: chr6-35459328-TAGAT-GGCA. GRCh37 (hg19) VCF-style: chr6-35427105-TAGAT-GGCA.
Identifiers: ClinVar variation 969361 (VCV000969361.6), dbSNP rs1767491456, ClinGen allele CA1139659495.

ClinVar aggregate classification (germline): Pathogenic (1 of 4 stars; one submission).

Conditions:
Fanconi anemia complementation group E (FANCE). Also called: FANCE-Related Fanconi Anemia. Identifiers: Orphanet 84, MedGen C3160739, MONDO:0010953, OMIM 600901.

Submission:

Labcorp Genetics (formerly Invitae), Labcorp
Classification: Pathogenic for Fanconi anemia complementation group E. Last evaluated: 2020-01-16. Review status: criteria provided, single submitter. Criteria: Invitae Variant Classification Sherloc (09022015). Collection method: clinical testing. Allele origin: germline.
Comment: For these reasons, this variant has been classified as Pathogenic. Donor and acceptor splice site variants typically lead to a loss of protein function (PMID: 16199547), and loss-of-function variants in FANCE are known to be pathogenic (PMID: 11001585, 17924555). Algorithms developed to predict the effect of sequence changes on RNA splicing suggest that this variant may disrupt the consensus splice site, but this prediction has not been confirmed by published transcriptional studies. This variant has been observed in individual(s) with clinical features of Fanconi anemia (Invitae). In at least one individual the data is consistent with the variant being in trans (on the opposite chromosome) from a pathogenic variant. This variant is not present in population databases (ExAC no frequency). This sequence change affects an acceptor splice site in intron 5 of the FANCE gene. It is expected to disrupt RNA splicing and likely results in an absent or disrupted protein product.

Literature cited by the submitters: PubMed 16199547; PubMed 11001585; PubMed 17924555.